The following is an entry in ClinVar:

ClinVar aggregate classification (germline): Uncertain significance (1 of 4 stars; one submission).

Submission:

Women's Health and Genetics/Laboratory Corporation of America, LabCorp
Classification: Uncertain significance. Last evaluated: 2022-12-16. Review status: criteria provided, single submitter. Criteria: LabCorp Variant Classification Summary - May 2015. Collection method: clinical testing. Allele origin: germline.
Comment: Variant summary: The variant identified by MLPA or other technology involves the duplication of exons 15-47, involving the last exon in the KIF1A gene. A presumed nomenclature of c.(1314+1_1315-1)_(*3601_?)dup has been designated for the purposes of this classification. It has been assumed that this is a tandem duplication in direct orientation (Richardson_GIM_2018, Newman_AJHG_2015). A variant involving the duplication of exons 15-47 together with a large (~39 kbp) DNA segment extending downstream of the gene, was found at a frequency of 0.001 in 21682 control chromosomes (i.e. in 22 heterozygous carriers) in the gnomAD database, structural variants dataset. A similar large duplication variant (i.e. duplication of exons 15-47, extending further downstream of the gene) has been reported in heterozygous state in a family with autistic children, however it was not considered 'causal' by the authors (Lintas_2017). This report does not provide unequivocal conclusions about association of the variant with NESCAV Syndrome. To our knowledge, no experimental evidence demonstrating an impact on protein function has been reported. Two clinical diagnostic laboratories have submitted clinical-significance assessments for this variant to ClinVar after 2014 and classified the variant as uncertain significance. Based on the evidence outlined above, the variant was classified as uncertain significance.

Literature cited by the submitters: PubMed 28304131.

NC_000002.11:g.(?_241653180)_(241709124_241710387)dup

Gene: KIF1A (kinesin family member 1A; minus strand). Cytogenetic location: 2q37.3.
Variant type: Duplication.
Identifiers: ClinVar variation 1677064 (VCV001677064.2).